The following is an entry in ClinVar:

NM_000388.4(CASR):c.772_773delinsA (p.Val258fs)

Gene: CASR (calcium sensing receptor; plus strand). Cytogenetic location: 3q21.1.
Variant type: Indel.
Coding change: c.772_773delinsA on transcript NM_000388.4 (MANE Select); coding-DNA positions 772 to 773, GT replaced by A.
Protein change: p.Val258fs; shifts the reading frame from valine 258.
Molecular consequence: frameshift variant.
Genome position (GRCh38, 1-based): chr3:122,261,807-122,261,808, GT replaced by A. VCF-style: chr3-122261807-GT-A. GRCh37 (hg19) VCF-style: chr3-121980654-GT-A.
Other names: c.772_773delGTinsA (NM_000388.4); c.772_773delinsA, p.Val258fs (NM_001178065.2); short protein forms V258fs.
Identifiers: ClinVar variation 2062024 (VCV002062024.5), dbSNP rs2473226409, ClinGen allele CA2580068638.
Genomic context (GRCh38, chr3:122,261,807, plus strand): 5'-GACTTCAGTGAACTCATCTCCCAGTACTCTGATGAGGAAGAGATCCAGCATGTGGTAGAG[GT>A]GATTCAAAATTCCACGGCCAAAGTCATCGTGGTTTTCTCCAGTGGCCCAGATCTTGAGCC-3'

ClinVar aggregate classification (germline): Pathogenic. Review status: criteria provided, single submitter (1 of 4 stars). 2 submissions from 2 submitters: Pathogenic (1). 1 of the submissions does not count toward it. Last evaluated 2022-08-06.

Conditions:
Autosomal dominant hypocalcemia 1 (HYPOC1). Also called: HYPOCALCEMIA, FAMILIAL. Identifiers: MedGen C3715128, MONDO:0011013, OMIM 601198.
Familial hypocalciuric hypercalcemia (FHH). Also called: Familial benign hypercalcemia. Identifiers: Orphanet 405, MedGen C1809471, MONDO:0018458.
Familial hypocalciuric hypercalcemia 1. Also called: Hypercalcemia, familial benign type 1. Identifiers: Orphanet 405, Orphanet 93372, MedGen C0342637, MONDO:0007791, OMIM 145980.

Submissions (2):

Labcorp Genetics (formerly Invitae), Labcorp
Classification: Pathogenic for Familial hypocalciuric hypercalcemia; Autosomal dominant hypocalcemia 1. Last evaluated: 2022-08-06. Review status: criteria provided, single submitter. Criteria: Invitae Variant Classification Sherloc (09022015). Collection method: clinical testing. Allele origin: germline.
Comment: This variant is not present in population databases (gnomAD no frequency). This sequence change creates a premature translational stop signal (p.Val258Argfs*47) in the CASR gene. It is expected to result in an absent or disrupted protein product. Loss-of-function variants in CASR are known to be pathogenic (PMID: 11807402, 14985373, 22422767). This variant has not been reported in the literature in individuals affected with CASR-related conditions. For these reasons, this variant has been classified as Pathogenic.

Cardiovascular Genetics Laboratory, PathWest Laboratory Medicine WA - Fiona Stanley Hospital
Classification: Pathogenic for Familial hypocalciuric hypercalcemia 1. Last evaluated: 2023-07-26. Review status: no assertion criteria provided. Criteria: ACMG Guidelines, 2015. Collection method: clinical testing. Allele origin: germline. Affected: yes. Not counted in ClinVar's aggregate classification.

Literature cited by the submitters: PubMed 11807402 (cited by Labcorp Genetics (formerly Invitae), Labcorp); PubMed 14985373 (cited by Labcorp Genetics (formerly Invitae), Labcorp); PubMed 22422767 (cited by Labcorp Genetics (formerly Invitae), Labcorp).